The following is an entry in ClinVar:

ClinVar aggregate classification (germline): Pathogenic/Likely pathogenic. Review status: criteria provided, multiple submitters, no conflicts (2 of 4 stars). 2 submissions from 2 submitters: Pathogenic (1); Likely pathogenic (1). Last evaluated 2024-04-25.

Conditions:
Autosomal recessive limb-girdle muscular dystrophy type 2O. Also called: Limb-Girdle Muscular Dystrophy Type 3C; MUSCULAR DYSTROPHY-DYSTROGLYCANOPATHY (LIMB-GIRDLE), TYPE C, 3; MUSCULAR DYSTROPHY-DYSTROGLYCANOPATHY, LIMB-GIRDLE, POMGNT1-RELATED. Identifiers: Orphanet 206564, MedGen C3150417, MONDO:0013161, OMIM 613157.
Muscular dystrophy-dystroglycanopathy (congenital with impaired intellectual development), type B, 3. Also called: Muscular dystrophy-dystroglycanopathy (congenital with intellectual disability), type B3; MUSCULAR DYSTROPHY, CONGENITAL, POMGNT1-RELATED. Identifiers: MedGen C3150412, MONDO:0013155, OMIM 613151.
Muscular dystrophy-dystroglycanopathy (congenital with brain and eye anomalies), type A3. Also called: Congenital muscular dystrophy-dystroglycanopathy with brain and eye anomalies, type A3; Muscular dystrophy-dystroglycanopathy (congenital with brain and eye anomalies), type A, 3; WALKER-WARBURG SYNDROME OR MUSCLE-EYE-BRAIN DISEASE, POMGNT1-RELATED. Identifiers: MedGen C3151519, MONDO:0009667, OMIM 253280.
Retinitis pigmentosa 76 (RP76). Identifiers: MedGen C4310704, MONDO:0014929, OMIM 617123.

Submissions (2):

Fulgent Genetics
Classification: Likely pathogenic for Muscular dystrophy-dystroglycanopathy (congenital with brain and eye anomalies), type A3; Muscular dystrophy-dystroglycanopathy (congenital with impaired intellectual development), type B, 3; Autosomal recessive limb-girdle muscular dystrophy type 2O; Retinitis pigmentosa 76. Last evaluated: 2024-04-25. Review status: criteria provided, single submitter. Criteria: ACMG Guidelines, 2015. Collection method: clinical testing. Allele origin: germline.

Labcorp Genetics (formerly Invitae), Labcorp
Classification: Pathogenic for Autosomal recessive limb-girdle muscular dystrophy type 2O; Muscular dystrophy-dystroglycanopathy (congenital with impaired intellectual development), type B, 3. Last evaluated: 2022-10-17. Review status: criteria provided, single submitter. Criteria: Invitae Variant Classification Sherloc (09022015). Collection method: clinical testing. Allele origin: germline.
Comment: For these reasons, this variant has been classified as Pathogenic. ClinVar contains an entry for this variant (Variation ID: 1455081). This variant has not been reported in the literature in individuals affected with POMGNT1-related conditions. This variant is not present in population databases (gnomAD no frequency). This sequence change creates a premature translational stop signal (p.Ile361Serfs*46) in the POMGNT1 gene. It is expected to result in an absent or disrupted protein product. Loss-of-function variants in POMGNT1 are known to be pathogenic (PMID: 19299310, 20816175, 21447391, 26908613, 27391550).

Literature cited by the submitters: PubMed 19299310 (cited by Labcorp Genetics (formerly Invitae), Labcorp); PubMed 20816175 (cited by Labcorp Genetics (formerly Invitae), Labcorp); PubMed 21447391 (cited by Labcorp Genetics (formerly Invitae), Labcorp); PubMed 26908613 (cited by Labcorp Genetics (formerly Invitae), Labcorp); PubMed 27391550 (cited by Labcorp Genetics (formerly Invitae), Labcorp).

NM_017739.4(POMGNT1):c.1080del (p.Ile361fs)

Genes: POMGNT1 (protein O-linked mannose N-acetylglucosaminyltransferase 1 (beta 1,2-); minus strand), TSPAN1 (tetraspanin 1; plus strand). Cytogenetic location: 1p34.1.
Variant type: Deletion.
Coding change: c.1080del on transcript NM_017739.4 (MANE Select); coding-DNA position 1080, one base deleted (C; older notation c.1080delC).
Protein change: p.Ile361fs; shifts the reading frame from isoleucine 361.
Molecular consequence: frameshift variant.
Genome position (GRCh38, 1-based): chr1:46,193,335, G deleted on the plus strand (C on the coding strand, the reverse complement: POMGNT1 is on the minus strand); the first of 3 consecutive G bases (chr1:46,193,335-46,193,337); deleting any one gives the same sequence. VCF-style (leftmost placement, unchanged base first): chr1-46193334-TG-T. GRCh37 (hg19) VCF-style: chr1-46659006-TG-T.
Other names: c.1080del, p.Ile361fs (NM_001243766.2, NM_001410783.1); c.1012delC, p.Ile339Serfs (NM_001290129.3); c.651del, p.Ile218fs (NM_001290130.2); short protein forms I361fs, I218fs, I339fs.
Identifiers: ClinVar variation 1455081 (VCV001455081.7), dbSNP rs2148192392, ClinGen allele CA2573131964.
Genomic context (GRCh38, chr1:46,193,334, plus strand): 5'-TCTGCCCCATCCCCACTTGCCTATGCAGTACCTGAGACACGCGGGCATTCTTGATGCTGA[TG>T]GGAGTATGCTGGATGCCCCTCAGACCAAACAGTGCCACCACATCCATGGGTTCCTGGGGG-3'